The following is an entry in ClinVar:

NM_018344.6(SLC29A3):c.919dup (p.Ser307fs)

Gene: SLC29A3 (solute carrier family 29 member 3; plus strand). Cytogenetic location: 10q22.1.
Variant type: Duplication.
Coding change: c.919dup on transcript NM_018344.6 (MANE Select); coding-DNA position 919, one base duplicated (A; older notation c.919dupA).
Protein change: p.Ser307fs; shifts the reading frame from serine 307.
Molecular consequence: frameshift variant. On other transcripts: 3 prime UTR variant (1), non-coding transcript variant (2).
Genome position (GRCh38, 1-based): chr10:71,362,099, A duplicated. VCF-style (leftmost placement, unchanged base first): chr10-71362098-C-CA. GRCh37 (hg19) VCF-style: chr10-73121855-C-CA.
Other names: c.*148dup (NM_001174098.2); c.685dup, p.Ser229fs (NM_001363518.2); short protein forms S307fs, S229fs.
Identifiers: ClinVar variation 2750513 (VCV002750513.3), dbSNP rs2492504505, ClinGen allele CA2697558408.
Genomic context (GRCh38, chr10:71,362,098, plus strand): 5'-GGCCTCCAGATTCATTGATTCCCACACACCCCCTCTCCGCCCCATCCTGAAGAAGACGGC[C>CA]AGCCTGGGCTTCTGTGTCACCTACGTCTTCTTCATCACCAGCCTCATCTACCCCGCCATC-3'

ClinVar aggregate classification (germline): Pathogenic (1 of 4 stars; one submission).

Conditions:
H syndrome. Also called: FAISALABAD HISTIOCYTOSIS; HISTIOCYTOSIS AND LYMPHADENOPATHY WITH OR WITHOUT CUTANEOUS, CARDIAC, AND/OR ENDOCRINE FEATURES, JOINT CONTRACTURES, AND/OR DEAFNESS; HYPERPIGMENTATION, CUTANEOUS, WITH HYPERTRICHOSIS, HEPATOSPLENOMEGALY, HEART ANOMALIES, AND HYPOGONADISM WITH OR WITHOUT HEARING LOSS; PIGMENTED HYPERTRICHOSIS WITH INSULIN-DEPENDENT DIABETES MELLITUS; ROSAI-DORFMAN DISEASE, FAMILIAL; SINUS HISTIOCYTOSIS AND MASSIVE LYMPHADENOPATHY. Identifiers: Orphanet 168569, MedGen C1864445, MONDO:0011273, OMIM 602782.

Submission:

Labcorp Genetics (formerly Invitae), Labcorp
Classification: Pathogenic for H syndrome. Last evaluated: 2023-08-23. Review status: criteria provided, single submitter. Criteria: Invitae Variant Classification Sherloc (09022015). Collection method: clinical testing. Allele origin: germline.
Comment: For these reasons, this variant has been classified as Pathogenic. This variant disrupts a region of the SLC29A3 protein in which other variant(s) (p.Arg363Trp) have been determined to be pathogenic (PMID: 19889517, 21888995, 23530176, 27143505, 27364927, 29041934, 29808591; Invitae). This suggests that this is a clinically significant region of the protein, and that variants that disrupt it are likely to be disease-causing. This variant has not been reported in the literature in individuals affected with SLC29A3-related conditions. This variant is not present in population databases (gnomAD no frequency). This sequence change creates a premature translational stop signal (p.Ser307Lysfs*53) in the SLC29A3 gene. While this is not anticipated to result in nonsense mediated decay, it is expected to disrupt the last 169 amino acid(s) of the SLC29A3 protein.

Literature cited by the submitters: PubMed 19889517; PubMed 21888995; PubMed 23530176; PubMed 27143505; PubMed 27364927; PubMed 29041934; PubMed 29808591.